The following is an entry in ClinVar:

ClinVar aggregate classification (germline): Uncertain significance (1 of 4 stars; one submission).

Conditions:
Epidermolysis bullosa simplex, Ogna type (EBS5A). Also called: Pidermolysis bullosa simplex 5A, Ogna type; EPIDERMOLYSIS BULLOSA SIMPLEX 5A, OGNA TYPE. Identifiers: Orphanet 79401, MedGen C0432317, MONDO:0007555, OMIM 131950.
Epidermolysis bullosa simplex with nail dystrophy (EBS5D). Identifiers: MedGen C4225309, MONDO:0014661, OMIM 616487.
Epidermolysis bullosa simplex 5C, with pyloric atresia (EBS5C). Also called: PLEC-Related Epidermolysis Bullosa with Pyloric Atresia; Epidermolysis bullosa simplex with pyloric atresia; PLEC1-Related Epidermolysis Bullosa with Pyloric Atresia. Identifiers: Orphanet 158684, MedGen C2677349, MONDO:0012807, OMIM 612138.
Epidermolysis bullosa simplex 5B, with muscular dystrophy (EBS5B). Also called: EPIDERMOLYSIS BULLOSA SIMPLEX AND LIMB-GIRDLE MUSCULAR DYSTROPHY; Epidermolysis bullosa simplex with muscular dystrophy. Identifiers: Orphanet 257, MedGen C2931072, MONDO:0009181, OMIM 226670.
Autosomal recessive limb-girdle muscular dystrophy type 2Q (LGMDR17). Also called: MUSCULAR DYSTROPHY, LIMB-GIRDLE, AUTOSOMAL RECESSIVE 17. Identifiers: Orphanet 254361, MedGen C3150989, MONDO:0013390, OMIM 613723.

Allele frequency attached by ClinVar (database versions not stated): TOPMed below 0.00001; ExAC 0.00001.
gnomAD v4.1: 2 of 1,613,142 alleles (0.00012%); highest among the groups gnomAD compares: South Asian, 0.0011%; no homozygotes.

Submission:

Labcorp Genetics (formerly Invitae), Labcorp
Classification: Uncertain significance for Autosomal recessive limb-girdle muscular dystrophy type 2Q; Epidermolysis bullosa simplex, Ogna type; Epidermolysis bullosa simplex with nail dystrophy; Epidermolysis bullosa simplex 5C, with pyloric atresia; Epidermolysis bullosa simplex 5B, with muscular dystrophy. Last evaluated: 2022-03-15. Review status: criteria provided, single submitter. Criteria: Invitae Variant Classification Sherloc (09022015). Collection method: clinical testing. Allele origin: germline.
Comment: In summary, the available evidence is currently insufficient to determine the role of this variant in disease. Therefore, it has been classified as a Variant of Uncertain Significance. Algorithms developed to predict the effect of missense changes on protein structure and function are either unavailable or do not agree on the potential impact of this missense change (SIFT: "Deleterious"; PolyPhen-2: "Probably Damaging"; Align-GVGD: "Class C0"). This variant has not been reported in the literature in individuals affected with PLEC-related conditions. This variant is present in population databases (rs782788464, gnomAD 0.003%). This sequence change replaces valine, which is neutral and non-polar, with phenylalanine, which is neutral and non-polar, at codon 3349 of the PLEC protein (p.Val3349Phe).

NM_201384.3(PLEC):c.9964G>T (p.Val3322Phe)

Gene: PLEC (plectin; minus strand). Cytogenetic location: 8q24.3.
Variant type: single nucleotide variant.
Coding change: c.9964G>T on transcript NM_201384.3 (MANE Select); coding-DNA position 9964, G replaced by T.
Protein change: p.Val3322Phe; replaces valine 3322 with phenylalanine.
Molecular consequence: missense variant.
Genome position (GRCh38, 1-based): chr8:143,919,857, C>A on the plus strand (G>T on the coding strand, the complement: PLEC is on the minus strand). VCF-style: chr8-143919857-C-A. GRCh37 (hg19) VCF-style: chr8-144994025-C-A.
Other names: c.10375G>T, p.Val3459Phe (NM_201380.4); c.9868G>T, p.Val3290Phe (NM_201381.3); c.9964G>T, p.Val3322Phe (NM_201382.4); c.9976G>T, p.Val3326Phe (NM_201383.3); c.10045G>T, p.Val3349Phe (NM_000445.5); c.6664G>T, p.Val2222Phe (NM_001410941.1); c.9922G>T, p.Val3308Phe (NM_201378.4); c.9898G>T, p.Val3300Phe (NM_201379.3); short protein forms V3322F, V3459F, V2222F, V3290F, V3300F, V3326F, V3349F, V3308F.
Identifiers: ClinVar variation 2112617 (VCV002112617.4), dbSNP rs782788464, ClinGen allele CA4924803.